The following is an entry in ClinVar:

NM_022726.4(ELOVL4):c.587A>G (p.Tyr196Cys)

Gene: ELOVL4 (ELOVL fatty acid elongase 4; minus strand). Cytogenetic location: 6q14.1.
Variant type: single nucleotide variant.
Coding change: c.587A>G on transcript NM_022726.4 (MANE Select); coding-DNA position 587, A replaced by G.
Protein change: p.Tyr196Cys; replaces tyrosine 196 with cysteine.
Molecular consequence: missense variant.
Genome position (GRCh38, 1-based): chr6:79,919,502, T>C on the plus strand (A>G on the coding strand, the complement: ELOVL4 is on the minus strand). VCF-style: chr6-79919502-T-C. GRCh37 (hg19) VCF-style: chr6-80629219-T-C.
Other names: c.587A>G (NM_022726.3); short protein forms Y196C.
Identifiers: ClinVar variation 1023464 (VCV001023464.9), dbSNP rs766171302, ClinGen allele CA3901499.

ClinVar aggregate classification (germline): Uncertain significance. Review status: criteria provided, multiple submitters, no conflicts (2 of 4 stars). 2 submissions from 2 submitters: Uncertain significance (2). Last evaluated 2025-08-15.

Conditions:
ELOVL4-related disorder. Also called: ELOVL4-related condition; ELOVL4-related disorders.

Allele frequency attached by ClinVar (database versions not stated): TOPMed below 0.00001; ExAC 0.00001; gnomAD exomes 0.00001.
gnomAD v4.1: 2 of 1,613,548 alleles (0.00012%); highest among the groups gnomAD compares: Admixed American, 0.0033%; no homozygotes.

Submissions (2):

PreventionGenetics, part of Exact Sciences
Classification: Uncertain significance for ELOVL4-related condition. Last evaluated: 2025-08-15. Review status: criteria provided, single submitter. Criteria: ACMG Guidelines, 2015. Collection method: clinical testing. Allele origin: germline.
Comment: The ELOVL4 c.587A>G variant is predicted to result in the amino acid substitution p.Tyr196Cys. To our knowledge, this variant has not been reported in the literature. This variant is reported in 0.0087% of alleles in individuals of Latino descent in gnomAD. At this time, the clinical significance of this variant is uncertain due to the absence of conclusive functional and genetic evidence.

Labcorp Genetics (formerly Invitae), Labcorp
Classification: Uncertain significance. Last evaluated: 2023-05-08. Review status: criteria provided, single submitter. Criteria: Invitae Variant Classification Sherloc (09022015). Collection method: clinical testing. Allele origin: germline.
Comment: In summary, the available evidence is currently insufficient to determine the role of this variant in disease. Therefore, it has been classified as a Variant of Uncertain Significance. Advanced modeling of protein sequence and biophysical properties (such as structural, functional, and spatial information, amino acid conservation, physicochemical variation, residue mobility, and thermodynamic stability) performed at Invitae indicates that this missense variant is expected to disrupt ELOVL4 protein function. ClinVar contains an entry for this variant (Variation ID: 1023464). This variant has not been reported in the literature in individuals affected with ELOVL4-related conditions. This variant is present in population databases (rs766171302, gnomAD 0.009%). This sequence change replaces tyrosine, which is neutral and polar, with cysteine, which is neutral and slightly polar, at codon 196 of the ELOVL4 protein (p.Tyr196Cys).